The following is an entry in ClinVar:

ClinVar aggregate classification (germline): Pathogenic. Review status: criteria provided, multiple submitters, no conflicts (2 of 4 stars). 2 submissions from 2 submitters: Pathogenic (2). Last evaluated 2023-05-09.

Conditions:
Familial adenomatous polyposis 1 (FAP1). Also called: FAMILIAL ADENOMATOUS POLYPOSIS 1, ATTENUATED; POLYPOSIS, ADENOMATOUS INTESTINAL. Identifiers: MedGen C2713442, MONDO:0021056, OMIM 175100. Disease mechanism: loss of function.

Submissions (2):

Myriad Genetics, Inc.
Classification: Pathogenic for Familial adenomatous polyposis 1. Last evaluated: 2023-05-09. Review status: criteria provided, single submitter. Criteria: Myriad Autosomal Dominant, Autosomal Recessive and X-Linked Classification Criteria (2023). Collection method: clinical testing. Allele origin: unknown.
Comment: This variant is considered pathogenic. This variant creates a frameshift predicted to result in premature protein truncation.

Labcorp Genetics (formerly Invitae), Labcorp
Classification: Pathogenic for Familial adenomatous polyposis 1. Last evaluated: 2021-05-28. Review status: criteria provided, single submitter. Criteria: Invitae Variant Classification Sherloc (09022015). Collection method: clinical testing. Allele origin: germline.
Comment: A different truncation (p.Tyr2645Lysfs*14) that lies downstream of this variant has been determined to be pathogenic (PMID: 9824584, 1316610, 27081525, 8381579, 22135120, Invitae). This suggests that deletion of this region of the APC protein is causative of disease. For these reasons, this variant has been classified as Pathogenic. This variant is expected to disrupt the EB1 and HDLG binding sites, which mediate interactions with the cytoskeleton (PMID: 15311282, 17293347). While functional studies have not been performed to directly test the effect on APC protein function, this suggests that disruption of the C-terminal portion of the protein is functionally important This variant has been observed in individuals with familial adenomatous polyposis (PMID: 21779980). This variant is not present in population databases (ExAC no frequency). This sequence change creates a premature translational stop signal (p.Thr1218Serfs*47) in the APC gene. While this is not anticipated to result in nonsense mediated decay, it is expected to disrupt the last 1626 amino acid(s) of the APC protein.

Literature cited by the submitters: PubMed 9824584 (cited by Labcorp Genetics (formerly Invitae), Labcorp); PubMed 1316610 (cited by Labcorp Genetics (formerly Invitae), Labcorp); PubMed 27081525 (cited by Labcorp Genetics (formerly Invitae), Labcorp); PubMed 8381579 (cited by Labcorp Genetics (formerly Invitae), Labcorp); PubMed 22135120 (cited by Labcorp Genetics (formerly Invitae), Labcorp); PubMed 15311282 (cited by Labcorp Genetics (formerly Invitae), Labcorp); PubMed 17293347 (cited by Labcorp Genetics (formerly Invitae), Labcorp); PubMed 21779980 (cited by Labcorp Genetics (formerly Invitae), Labcorp).

NM_000038.6(APC):c.3653del (p.Thr1218fs)

Gene: APC (APC regulator of Wnt signaling pathway; plus strand). Cytogenetic location: 5q22.2.
Variant type: Deletion.
Coding change: c.3653del on transcript NM_000038.6 (MANE Select); coding-DNA position 3653, one base deleted (C; older notation c.3653delC).
Protein change: p.Thr1218fs; shifts the reading frame from threonine 1218.
Molecular consequence: frameshift variant.
Genome position (GRCh38, 1-based): chr5:112,839,247, C deleted. VCF-style (leftmost placement, unchanged base first): chr5-112839246-AC-A. GRCh37 (hg19) VCF-style: chr5-112174943-AC-A.
Other names: c.3653del, p.Thr1218fs (NM_001127510.3, NM_001354895.2); c.3599del, p.Thr1200fs (NM_001127511.3); c.3707del, p.Thr1236fs (NM_001354896.2); c.3683del, p.Thr1228fs (NM_001354897.2); c.3578del, p.Thr1193fs (NM_001354898.2); c.3569del, p.Thr1190fs (NM_001354899.2); c.3530del, p.Thr1177fs (NM_001354900.2); c.3476del, p.Thr1159fs (NM_001354901.2); and 5 more; short protein forms T1159fs, T1193fs, T1228fs, T935fs, T1092fs, T1117fs, T1177fs, T1200fs.
Identifiers: ClinVar variation 1451511 (VCV001451511.9), dbSNP rs2149896379, ClinGen allele CA2573138691.